The following is an entry in ClinVar:

ClinVar aggregate classification (germline): Uncertain significance (1 of 4 stars; one submission).

Conditions:
Hypertrophic cardiomyopathy. Also called: HYPERTROPHIC MYOCARDIOPATHY. Identifiers: Orphanet 217569, MedGen C0007194, MeSH D002312, MONDO:0005045, HP:0001639.

Submission:

Labcorp Genetics (formerly Invitae), Labcorp
Classification: Uncertain significance for Hypertrophic cardiomyopathy. Last evaluated: 2025-12-08. Review status: criteria provided, single submitter. Criteria: Invitae Variant Classification Sherloc (09022015). Collection method: clinical testing. Allele origin: germline.
Comment: This sequence change replaces glycine, which is neutral and non-polar, with arginine, which is basic and polar, at codon 662 of the MYOM1 protein (p.Gly662Arg). This variant is not present in population databases (gnomAD no frequency). This variant has not been reported in the literature in individuals affected with MYOM1-related conditions. ClinVar contains an entry for this variant (Variation ID: 3650233). Invitae Evidence Modeling of protein sequence and biophysical properties (such as structural, functional, and spatial information, amino acid conservation, physicochemical variation, residue mobility, and thermodynamic stability) indicates that this missense variant is not expected to disrupt MYOM1 protein function with a negative predictive value of 80%. In summary, the available evidence is currently insufficient to determine the role of this variant in disease. Therefore, it has been classified as a Variant of Uncertain Significance.

NM_003803.4(MYOM1):c.1984G>C (p.Gly662Arg)

Gene: MYOM1 (myomesin 1; minus strand). Cytogenetic location: 18p11.31.
Variant type: single nucleotide variant.
Coding change: c.1984G>C on transcript NM_003803.4 (MANE Select); coding-DNA position 1984, G replaced by C.
Protein change: p.Gly662Arg; replaces glycine 662 with arginine.
Molecular consequence: missense variant.
Genome position (GRCh38, 1-based): chr18:3,141,980, C>G on the plus strand (G>C on the coding strand, the complement: MYOM1 is on the minus strand). VCF-style: chr18-3141980-C-G. GRCh37 (hg19) VCF-style: chr18-3141978-C-G.
Other names: c.1984G>C, p.Gly662Arg (NM_019856.2); short protein forms G662R.
Identifiers: ClinVar variation 3650233 (VCV003650233.2).